The following is an entry in ClinVar:

NM_001374736.1(DST):c.14125G>C (p.Gly4709Arg)

Genes: DST (dystonin; minus strand), LOC129389544 (MPRA-validated peak5860 silencer; plus strand). Cytogenetic location: 6p12.1.
Variant type: single nucleotide variant.
Coding change: c.14125G>C on transcript NM_001374736.1 (MANE Select); coding-DNA position 14125, G replaced by C.
Protein change: p.Gly4709Arg; replaces glycine 4709 with arginine.
Molecular consequence: missense variant.
Genome position (GRCh38, 1-based): chr6:56,561,493, C>G on the plus strand (G>C on the coding strand, the complement: DST is on the minus strand). VCF-style: chr6-56561493-C-G. GRCh37 (hg19) VCF-style: chr6-56426291-C-G.
Other names: c.7768G>C, p.Gly2590Arg (NM_001144769.5); c.7354G>C, p.Gly2452Arg (NM_001144770.2); c.14125G>C, p.Gly4709Arg (NM_001374722.1); c.13492G>C, p.Gly4498Arg (NM_001374729.1); c.7234G>C, p.Gly2412Arg (NM_001374730.1, NM_001386100.1, NM_183380.4); c.14152G>C, p.Gly4718Arg (NM_001374734.1); c.6256G>C, p.Gly2086Arg (NM_015548.5); short protein forms G2086R, G2590R, G4709R, G4718R, G2452R, G4498R, G2412R.
Identifiers: ClinVar variation 1760524 (VCV001760524.2), dbSNP rs369841392, ClinGen allele CA3868090.

ClinVar aggregate classification (germline): Uncertain significance (1 of 4 stars; one submission).

Conditions:
Inborn genetic diseases. Identifiers: MedGen C0950123, MeSH D030342.

Allele frequency attached by ClinVar (database versions not stated): gnomAD exomes below 0.00001; ExAC 0.00001; ESP Exome Variant Server 0.00008.
gnomAD v4.1: 2 of 1,613,688 alleles (0.00012%); highest among the groups gnomAD compares: Non-Finnish European, 0.00017%; no homozygotes.

Submission:

Ambry Genetics
Classification: Uncertain significance for Inborn genetic diseases. Last evaluated: 2021-05-19. Review status: criteria provided, single submitter. Criteria: Ambry Variant Classification Scheme 2023. Collection method: clinical testing. Allele origin: germline.
Comment: The p.G2590R variant (also known as c.7768G>C), located in coding exon 51 of the DST gene, results from a G to C substitution at nucleotide position 7768. The glycine at codon 2590 is replaced by arginine, an amino acid with dissimilar properties. This amino acid position is highly conserved in available vertebrate species. In addition, the in silico prediction for this alteration is inconclusive. Since supporting evidence is limited at this time, the clinical significance of this alteration remains unclear.